The following is an entry in ClinVar:

NM_001267550.2(TTN):c.60096C>G (p.Asn20032Lys)

Genes: TTN (titin; minus strand), TTN-AS1 (TTN antisense RNA 1; plus strand), LOC126806424 (CDK7 strongly-dependent group 2 enhancer GRCh37_chr2:179456337-179457536; plus strand). Cytogenetic location: 2q31.2.
Variant type: single nucleotide variant.
Coding change: c.60096C>G on transcript NM_001267550.2 (MANE Select); coding-DNA position 60096, C replaced by G.
Protein change: p.Asn20032Lys; replaces asparagine 20032 with lysine.
Molecular consequence: missense variant.
Genome position (GRCh38, 1-based): chr2:178,591,723, G>C on the plus strand (C>G on the coding strand, the complement: TTN is on the minus strand). VCF-style: chr2-178591723-G-C. GRCh37 (hg19) VCF-style: chr2-179456450-G-C.
Other names: c.55173C>G, p.Asn18391Lys (NM_001256850.1); c.32901C>G, p.Asn10967Lys (NM_003319.4); c.52392C>G, p.Asn17464Lys (NM_133378.4); c.33276C>G, p.Asn11092Lys (NM_133432.3); c.33477C>G, p.Asn11159Lys (NM_133437.4); short protein forms N10967K, N11092K, N11159K, N17464K, N18391K, N20032K.
Identifiers: ClinVar variation 1307959 (VCV001307959.2), dbSNP rs1290234091, ClinGen allele CA349487275.
Genomic context (GRCh38, chr2:178,591,723, plus strand): 5'-AGCTTTTACACGGAATCTATAGGTCTTTCCTTGTTGTAGTCCAGTAACCACACACTCTAA[G>C]TTTGTCACAGTCTTAAATTTAATCCAGTCCTGGGTGCCTTCTTCTTGATATTCTACCAAA-3'
Protein context (NP_001254479.2, residues 20022-20042): QDWIKFKTVT[Asn20032Lys]LECVVTGLQQ

ClinVar aggregate classification (germline): Uncertain significance (1 of 4 stars; one submission).

Submission:

GeneDx
Classification: Uncertain significance. Last evaluated: 2019-08-20. Review status: criteria provided, single submitter. Criteria: GeneDx Variant Classification Process June 2021. Collection method: clinical testing. Allele origin: germline. Affected: yes.
Comment: Not observed in large population cohorts (Lek et al., 2016); Missense variant in a gene in which most reported pathogenic variants are truncating/loss-of-function; Has not been previously published as pathogenic or benign to our knowledge